The following is an entry in ClinVar:

ClinVar aggregate classification (germline): Uncertain significance (1 of 4 stars; one submission).

Conditions:
Nemaline myopathy 2 (NEM2). Also called: Nemaline myopathy 2, autosomal recessive. Identifiers: MedGen C1850569, MONDO:0009725, OMIM 256030.

Allele frequency attached by ClinVar (database versions not stated): gnomAD exomes below 0.00001; TOPMed below 0.00001.
gnomAD v4.1: 1 of 1,613,792 alleles (0.000062%); highest among the groups gnomAD compares: South Asian, 0.0011%; no homozygotes.

Submission:

Labcorp Genetics (formerly Invitae), Labcorp
Classification: Uncertain significance for Nemaline myopathy 2. Last evaluated: 2020-12-23. Review status: criteria provided, single submitter. Criteria: Invitae Variant Classification Sherloc (09022015). Collection method: clinical testing. Allele origin: germline.
Comment: This sequence change replaces lysine with glutamine at codon 3252 of the NEB protein (p.Lys3252Gln). The lysine residue is moderately conserved and there is a small physicochemical difference between lysine and glutamine. This variant is not present in population databases (ExAC no frequency). This variant has not been reported in the literature in individuals with NEB-related conditions. Algorithms developed to predict the effect of missense changes on protein structure and function are either unavailable or do not agree on the potential impact of this missense change (SIFT: "Deleterious"; PolyPhen-2: "Not Available"; Align-GVGD: "Class C0"). In summary, the available evidence is currently insufficient to determine the role of this variant in disease. Therefore, it has been classified as a Variant of Uncertain Significance.

NM_001164508.2(NEB):c.9754A>C (p.Lys3252Gln)

Gene: NEB (nebulin; minus strand). Cytogenetic location: 2q23.3.
Variant type: single nucleotide variant.
Coding change: c.9754A>C on transcript NM_001164508.2 (MANE Select); coding-DNA position 9754, A replaced by C.
Protein change: p.Lys3252Gln; replaces lysine 3252 with glutamine.
Molecular consequence: missense variant.
Genome position (GRCh38, 1-based): chr2:151,629,616, T>G on the plus strand (A>C on the coding strand, the complement: NEB is on the minus strand). VCF-style: chr2-151629616-T-G. GRCh37 (hg19) VCF-style: chr2-152486130-T-G.
Other names: c.9754A>C, p.Lys3252Gln (NM_001164507.2, NM_001271208.2); c.9025A>C, p.Lys3009Gln (NM_004543.5); short protein forms K3009Q, K3252Q.
Identifiers: ClinVar variation 1918677 (VCV001918677.2), dbSNP rs2098615768, ClinGen allele CA348798261.
Genomic context (GRCh38, chr2:151,629,616, plus strand): 5'-TGGAGGCCTTGGCAGCCACGATGGGGATGGCGTCACTTCGCAAGTCGTAGCCTTTCTTTT[T>G]TGCTTCTTCATTGGCAAGTTTGTATAGAGTCTATGAAAAGAAAGGCAAAGAGTTAAAGCA-3'
Protein context (NP_001157980.2, residues 3242-3262): TLYKLANEEA[Lys3252Gln]KKGYDLRSDA